The following is an entry in ClinVar:

NM_000278.5(PAX2):c.418C>G (p.Arg140Gly)

Gene: PAX2 (paired box 2; plus strand). Cytogenetic location: 10q24.31.
Variant type: single nucleotide variant.
Coding change: c.418C>G on transcript NM_000278.5 (MANE Select); coding-DNA position 418, C replaced by G.
Protein change: p.Arg140Gly; replaces arginine 140 with glycine.
Molecular consequence: missense variant.
Genome position (GRCh38, 1-based): chr10:100,779,505, C>G. VCF-style: chr10-100779505-C-G. GRCh37 (hg19) VCF-style: chr10-102539262-C-G.
Other names: c.511C>G, p.Arg171Gly (NM_001304569.2); c.418C>G, p.Arg140Gly (NM_003987.5, NM_003988.5, NM_003989.5 and 1 more transcripts); short protein forms R140G, R171G.
Identifiers: ClinVar variation 2663416 (VCV002663416.1), dbSNP rs1217241110, ClinGen allele CA378258253.

ClinVar aggregate classification (germline): Uncertain significance (1 of 4 stars; one submission).

Submission:

GeneDx
Classification: Uncertain significance. Last evaluated: 2023-04-28. Review status: criteria provided, single submitter. Criteria: GeneDx Variant Classification Process June 2021. Collection method: clinical testing. Allele origin: germline. Affected: yes.
Comment: Not observed at significant frequency in large population cohorts (gnomAD); In silico analysis supports that this missense variant has a deleterious effect on protein structure/function; This variant is associated with the following publications: (PMID: 36184096, 30241513)